The following is an entry in ClinVar:

NM_000548.5(TSC2):c.552C>A (p.Val184=)

Gene: TSC2 (TSC complex subunit 2; plus strand). Cytogenetic location: 16p13.3.
Variant type: single nucleotide variant.
Coding change: c.552C>A on transcript NM_000548.5 (MANE Select); coding-DNA position 552, C replaced by A.
Protein change: p.Val184=; no amino-acid change (valine 184 retained).
Molecular consequence: synonymous variant. On other transcripts: 5 prime UTR variant (13), non-coding transcript variant (5), intron variant (6).
Genome position (GRCh38, 1-based): chr16:2,055,472, C>A. VCF-style: chr16-2055472-C-A. GRCh37 (hg19) VCF-style: chr16-2105473-C-A.
Other names: c.-265C>A (NM_001406683.1, NM_001406687.1, NM_001406680.1); c.-880C>A (NM_001406689.1, NM_001406690.1, NM_001406691.1 and 2 more transcripts); c.-1096C>A (NM_001406693.1); c.-761C>A (NM_001406694.1, NM_001406695.1); c.-868C>A (NM_001406696.1); c.-1056C>A (NM_001406698.1); c.552C>A, p.Val184= (NM_021055.3, NM_001077183.3, NM_001114382.3 and 8 more transcripts); c.-1-724C>A (NM_001406682.1, NM_001406684.1, NM_001406685.1 and 3 more transcripts); and 6 more.
Identifiers: ClinVar variation 4758030 (VCV004758030.1).

ClinVar aggregate classification (germline): Uncertain significance (1 of 4 stars; one submission).

Conditions:
Tuberous sclerosis syndrome (TSC). Also called: Tuberous Sclerosis Complex; Tuberous sclerosis. Identifiers: Orphanet 805, MedGen C0041341, MONDO:0001734.

gnomAD v4.1: 1 of 1,614,202 alleles (0.000062%); highest among the groups gnomAD compares: Non-Finnish European, 0.000085%; no homozygotes.

Submission:

Color Diagnostics, LLC DBA Color Health
Classification: Uncertain significance for Tuberous sclerosis syndrome. Last evaluated: 2025-08-30. Review status: criteria provided, single submitter. Criteria: ACMG Guidelines, 2015. Collection method: clinical testing. Allele origin: germline.
Comment: This variant is located in the TSC2 protein. To our knowledge, functional studies have not been reported for this variant. This variant has not been reported in individuals affected with TSC2-related disorders in the literature. This variant has not been identified in the general population by the Genome Aggregation Database (gnomAD). The available evidence is insufficient to determine the role of this variant in disease conclusively. Therefore, this variant is classified as a Variant of Uncertain Significance.